The following is an entry in ClinVar:

NM_004341.5(CAD):c.1245G>A (p.Ser415=)

Gene: CAD (carbamoyl-phosphate synthetase 2, aspartate transcarbamylase, and dihydroorotase; plus strand). Cytogenetic location: 2p23.3.
Variant type: single nucleotide variant.
Coding change: c.1245G>A on transcript NM_004341.5 (MANE Select); coding-DNA position 1245, G replaced by A.
Protein change: p.Ser415=; no amino-acid change (serine 415 retained).
Molecular consequence: synonymous variant.
Genome position (GRCh38, 1-based): chr2:27,224,481, G>A. VCF-style: chr2-27224481-G-A. GRCh37 (hg19) VCF-style: chr2-27447349-G-A.
Other names: c.1245G>A, p.Ser415= (NM_001306079.2); c.1245G>A (NM_004341.4).
Identifiers: ClinVar variation 2160553 (VCV002160553.5), dbSNP rs767696546, ClinGen allele CA1572646.

ClinVar aggregate classification (germline): Likely benign. Review status: criteria provided, multiple submitters, no conflicts (2 of 4 stars). 2 submissions from 2 submitters: Likely benign (2). Last evaluated 2025-11-26.

Conditions:
CAD-related disorder. Also called: CAD-related condition.

Allele frequency attached by ClinVar (database versions not stated): gnomAD exomes 0.00002; ExAC 0.00005; TOPMed 0.00005; gnomAD 0.00007.
gnomAD v4.1: 46 of 1,613,886 alleles (0.0029%); highest among the groups gnomAD compares: African/African-American, 0.028%; no homozygotes.

Submissions (2):

PreventionGenetics, part of Exact Sciences
Classification: Likely benign for CAD-related condition. Last evaluated: 2025-11-26. Review status: criteria provided, single submitter. Criteria: ACMG Guidelines, 2015. Collection method: clinical testing. Allele origin: germline.
Comment: This variant is classified as likely benign based on ACMG/AMP sequence variant interpretation guidelines (Richards et al. 2015 PMID: 25741868, with internal and published modifications).

Labcorp Genetics (formerly Invitae), Labcorp
Classification: Likely benign. Last evaluated: 2025-04-14. Review status: criteria provided, single submitter. Criteria: Invitae Variant Classification Sherloc (09022015). Collection method: clinical testing. Allele origin: germline.